The following is an entry in ClinVar:

ClinVar aggregate classification (germline): Uncertain significance. Review status: criteria provided, multiple submitters, no conflicts (2 of 4 stars). 2 submissions from 2 submitters: Uncertain significance (2). Last evaluated 2023-11-17.

Conditions:
Gastrointestinal stromal tumor. Also called: Gastrointestinal stromal tumor, somatic; Gastrointestinal stroma tumor. Identifiers: Orphanet 44890, MedGen C0238198, MeSH D046152, MONDO:0011719, OMIM 606764, HP:0100723.
Hereditary cancer-predisposing syndrome. Also called: Hereditary Cancer Syndrome; Hereditary neoplastic syndrome; Neoplastic Syndromes, Hereditary; Tumor predisposition. Identifiers: Orphanet 140162, MedGen C0027672, MeSH D009386, MONDO:0015356.

Submissions (2):

Labcorp Genetics (formerly Invitae), Labcorp
Classification: Uncertain significance for Gastrointestinal stromal tumor. Last evaluated: 2023-11-17. Review status: criteria provided, single submitter. Criteria: Invitae Variant Classification Sherloc (09022015). Collection method: clinical testing. Allele origin: germline.
Comment: This sequence change replaces leucine, which is neutral and non-polar, with valine, which is neutral and non-polar, at codon 707 of the KIT protein (p.Leu707Val). This variant is not present in population databases (gnomAD no frequency). This variant has not been reported in the literature in individuals affected with KIT-related conditions. ClinVar contains an entry for this variant (Variation ID: 2454106). An algorithm developed to predict the effect of missense changes on protein structure and function (PolyPhen-2) suggests that this variant is likely to be disruptive. In summary, the available evidence is currently insufficient to determine the role of this variant in disease. Therefore, it has been classified as a Variant of Uncertain Significance.

Ambry Genetics
Classification: Uncertain significance for Hereditary cancer-predisposing syndrome. Last evaluated: 2023-01-11. Review status: criteria provided, single submitter. Criteria: Ambry Variant Classification Scheme 2023. Collection method: clinical testing. Allele origin: germline.
Comment: The p.L707V variant (also known as c.2119C>G), located in coding exon 14 of the KIT gene, results from a C to G substitution at nucleotide position 2119. The leucine at codon 707 is replaced by valine, an amino acid with highly similar properties. This amino acid position is conserved. In addition, this alteration is predicted to be tolerated by in silico analysis. Since supporting evidence is limited at this time, the clinical significance of this alteration remains unclear.

NM_000222.3(KIT):c.2119C>G (p.Leu707Val)

Gene: KIT (KIT proto-oncogene, receptor tyrosine kinase; plus strand). Cytogenetic location: 4q12.
Variant type: single nucleotide variant.
Coding change: c.2119C>G on transcript NM_000222.3 (MANE Select); coding-DNA position 2119, C replaced by G.
Protein change: p.Leu707Val; replaces leucine 707 with valine.
Molecular consequence: missense variant.
Genome position (GRCh38, 1-based): chr4:54,729,463, C>G. VCF-style: chr4-54729463-C-G. GRCh37 (hg19) VCF-style: chr4-55595629-C-G.
Other names: c.2107C>G, p.Leu703Val (NM_001093772.2, NM_001385286.1); c.2122C>G, p.Leu708Val (NM_001385284.1, NM_001385290.1); c.2119C>G, p.Leu707Val (NM_001385285.1); c.2110C>G, p.Leu704Val (NM_001385288.1, NM_001385292.1); short protein forms L707V, L708V, L703V, L704V.
Identifiers: ClinVar variation 2454106 (VCV002454106.5), dbSNP rs2109786973, ClinGen allele CA356909830.
Genomic context (GRCh38, chr4:54,729,463, plus strand): 5'-GATTCATTTATTTGTTCAAAGCAGGAAGATCATGCAGAAGCTGCACTTTATAAGAATCTT[C>G]TGCATTCAAAGGAGTCTTCCTGGTAAGACTGATTTACATAAATAGTTAGCTGTTGACAGG-3'
Protein context (NP_000213.1, residues 697-717): HAEAALYKNL[Leu707Val]HSKESSCSDS